The following is an entry in ClinVar:

ClinVar aggregate classification (germline): Uncertain significance. Review status: criteria provided, multiple submitters, no conflicts (2 of 4 stars). 2 submissions from 2 submitters: Uncertain significance (2). Last evaluated 2024-05-22.

Conditions:
Leber congenital amaurosis 6 (LCA6). Identifiers: Orphanet 65, MedGen C1854260, MONDO:0013446, OMIM 613826.
Cone-rod dystrophy 13 (CORD13). Identifiers: Orphanet 1872, MedGen C2750720, MONDO:0011987, OMIM 608194.

Allele frequency attached by ClinVar (database versions not stated): ExAC 0.00001; gnomAD 0.00001; gnomAD exomes 0.00001.
gnomAD v4.1: 15 of 1,606,808 alleles (0.00093%); highest among the groups gnomAD compares: Admixed American, 0.0017%; no homozygotes.

Submissions (2):

Labcorp Genetics (formerly Invitae), Labcorp
Classification: Uncertain significance for Leber congenital amaurosis 6; Cone-rod dystrophy 13. Last evaluated: 2024-05-22. Review status: criteria provided, single submitter. Criteria: Invitae Variant Classification Sherloc (09022015). Collection method: clinical testing. Allele origin: germline.
Comment: This sequence change replaces isoleucine, which is neutral and non-polar, with valine, which is neutral and non-polar, at codon 738 of the RPGRIP1 protein (p.Ile738Val). This variant is present in population databases (rs774600464, gnomAD 0.003%). This variant has not been reported in the literature in individuals affected with RPGRIP1-related conditions. ClinVar contains an entry for this variant (Variation ID: 1433163). Advanced modeling of protein sequence and biophysical properties (such as structural, functional, and spatial information, amino acid conservation, physicochemical variation, residue mobility, and thermodynamic stability) performed at Invitae indicates that this missense variant is not expected to disrupt RPGRIP1 protein function with a negative predictive value of 80%. In summary, the available evidence is currently insufficient to determine the role of this variant in disease. Therefore, it has been classified as a Variant of Uncertain Significance.

Blueprint Genetics
Classification: Uncertain significance. Last evaluated: 2024-03-14. Review status: criteria provided, single submitter. Criteria: ACMG Guidelines, 2015. Collection method: clinical testing. Allele origin: germline.

NM_020366.4(RPGRIP1):c.2212A>G (p.Ile738Val)

Gene: RPGRIP1 (RPGR interacting protein 1; plus strand). Cytogenetic location: 14q11.2.
Variant type: single nucleotide variant.
Coding change: c.2212A>G on transcript NM_020366.4 (MANE Select); coding-DNA position 2212, A replaced by G.
Protein change: p.Ile738Val; replaces isoleucine 738 with valine.
Molecular consequence: missense variant. On other transcripts: intron variant (4).
Genome position (GRCh38, 1-based): chr14:21,325,067, A>G. VCF-style: chr14-21325067-A-G. GRCh37 (hg19) VCF-style: chr14-21793226-A-G.
Other names: c.1138A>G, p.Ile380Val (NM_001377948.1); c.796+342A>G (NM_001377949.1); c.689-2556A>G (NM_001377523.1, NM_001377950.1); c.191-2556A>G (NM_001377951.1); short protein forms I380V, I738V.
Identifiers: ClinVar variation 1433163 (VCV001433163.9), dbSNP rs774600464, ClinGen allele CA7089179.
Genomic context (GRCh38, chr14:21,325,067, plus strand): 5'-TGGATTTGCTTTGACAGGGTGCTAGAGACTGTGGAGAAAGTCCATGGCTTGGCCACACTG[A>G]TTGGTAAGTGCCGTTGGCTTCCTGCGGCTCCTAAGCACCAATGCAGAATTTCCCAAAGCC-3'
Protein context (NP_065099.3, residues 728-748): VEKVHGLATL[Ile738Val]GAGGEEFGVL